The following is an entry in ClinVar:

NM_001286.5(CLCN6):c.2395A>G (p.Met799Val)

Gene: CLCN6 (Cl-/H+ antiporter 6; plus strand). Cytogenetic location: 1p36.22.
Variant type: single nucleotide variant.
Coding change: c.2395A>G on transcript NM_001286.5 (MANE Select); coding-DNA position 2395, A replaced by G.
Protein change: p.Met799Val; replaces methionine 799 with valine.
Molecular consequence: missense variant. On other transcripts: non-coding transcript variant (1).
Genome position (GRCh38, 1-based): chr1:11,838,434, A>G. VCF-style: chr1-11838434-A-G. GRCh37 (hg19) VCF-style: chr1-11898491-A-G.
Other names: c.2329A>G, p.Met777Val (NM_001256959.2); short protein forms M777V, M799V.
Identifiers: ClinVar variation 3607251 (VCV003607251.2).

ClinVar aggregate classification (germline): Uncertain significance (1 of 4 stars; one submission).

gnomAD v4.1: 51 of 1,614,018 alleles (0.0032%); highest among the groups gnomAD compares: East Asian, 0.0045%; no homozygotes.

Submission:

Labcorp Genetics (formerly Invitae), Labcorp
Classification: Uncertain significance. Last evaluated: 2025-04-07. Review status: criteria provided, single submitter. Criteria: Invitae Variant Classification Sherloc (09022015). Collection method: clinical testing. Allele origin: germline.
Comment: This sequence change replaces methionine, which is neutral and non-polar, with valine, which is neutral and non-polar, at codon 799 of the CLCN6 protein (p.Met799Val). This variant is present in population databases (rs763015841, gnomAD 0.003%). This variant has not been reported in the literature in individuals affected with CLCN6-related conditions. ClinVar contains an entry for this variant (Variation ID: 3607251). An algorithm developed to predict the effect of missense changes on protein structure and function (PolyPhen-2) suggests that this variant is likely to be disruptive. In summary, the available evidence is currently insufficient to determine the role of this variant in disease. Therefore, it has been classified as a Variant of Uncertain Significance.